The following is an entry in ClinVar:

NM_006158.5(NEFL):c.1166A>G (p.Tyr389Cys)

Genes: NEFL (neurofilament light chain; minus strand), LOC126860330 (BRD4-independent group 4 enhancer GRCh37_chr8:24811677-24812876; plus strand). Cytogenetic location: 8p21.2.
Variant type: single nucleotide variant.
Coding change: c.1166A>G on transcript NM_006158.5 (MANE Select); coding-DNA position 1166, A replaced by G.
Protein change: p.Tyr389Cys; replaces tyrosine 389 with cysteine.
Molecular consequence: missense variant.
Genome position (GRCh38, 1-based): chr8:24,954,184, T>C on the plus strand (A>G on the coding strand, the complement: NEFL is on the minus strand). VCF-style: chr8-24954184-T-C. GRCh37 (hg19) VCF-style: chr8-24811698-T-C.
Other names: short protein forms Y389C.
Identifiers: ClinVar variation 2136651 (VCV002136651.5), dbSNP rs2486883041, ClinGen allele CA370620764.

ClinVar aggregate classification (germline): Conflicting classifications of pathogenicity. Review status: criteria provided, conflicting classifications (1 of 4 stars). 2 submissions from 2 submitters: Likely pathogenic (1); Uncertain significance (1). Last evaluated 2025-08-12.

Conditions:
Charcot-Marie-Tooth disease type 2E (CMT2E). Also called: CHARCOT-MARIE-TOOTH DISEASE, AXONAL, TYPE 2E; CHARCOT-MARIE-TOOTH NEUROPATHY, TYPE 2E. Identifiers: Orphanet 99939, MedGen C1843225, MONDO:0011894, OMIM 607684.

Submissions (2):

3billion
Classification: Uncertain significance for Charcot-Marie-Tooth disease type 2E. Last evaluated: 2025-08-12. Review status: criteria provided, single submitter. Criteria: ACMG Guidelines, 2015. Collection method: clinical testing. Allele origin: germline. Affected: yes.
Comment: The variant is not observed in the gnomAD v4.1.0 dataset. Predicted Consequence/Location: Missense variant In silico tool predictions suggest damaging effect of the variant on gene or gene product [3Cnet: 0.99 (> 0.75, sensitivity 0.96 and precision 0.92)]. The same nucleotide change resulting in the same amino acid change has been previously reported to be associated with NEFL-related disorder (ClinVar ID: VCV002136651 /PMID: 25583183). However, the evidence of pathogenicity is insufficient at this time. Therefore, this variant is classified as VUS according to the recommendation of ACMG/AMP guideline.

Labcorp Genetics (formerly Invitae), Labcorp
Classification: Likely pathogenic for Charcot-Marie-Tooth disease type 2E. Last evaluated: 2022-11-29. Review status: criteria provided, single submitter. Criteria: Invitae Variant Classification Sherloc (09022015). Collection method: clinical testing. Allele origin: germline.
Comment: In summary, the currently available evidence indicates that the variant is pathogenic, but additional data are needed to prove that conclusively. Therefore, this variant has been classified as Likely Pathogenic. Advanced modeling of protein sequence and biophysical properties (such as structural, functional, and spatial information, amino acid conservation, physicochemical variation, residue mobility, and thermodynamic stability) performed at Invitae indicates that this missense variant is expected to disrupt NEFL protein function. This missense change has been observed in individuals with clinical features of autosomal dominant NEFL-related conditions (PMID: 25583183; Invitae). It has also been observed to segregate with disease in related individuals. This variant is not present in population databases (gnomAD no frequency). This sequence change replaces tyrosine, which is neutral and polar, with cysteine, which is neutral and slightly polar, at codon 389 of the NEFL protein (p.Tyr389Cys).

Literature cited by the submitters: PubMed 25583183 (cited by 3billion and Labcorp Genetics (formerly Invitae), Labcorp).